The following is an entry in ClinVar:

NM_001267550.2(TTN):c.53545G>C (p.Val17849Leu)

Genes: TTN (titin; minus strand), TTN-AS1 (TTN antisense RNA 1; plus strand). Cytogenetic location: 2q31.2.
Variant type: single nucleotide variant.
Coding change: c.53545G>C on transcript NM_001267550.2 (MANE Select); coding-DNA position 53545, G replaced by C.
Protein change: p.Val17849Leu; replaces valine 17849 with leucine.
Molecular consequence: missense variant.
Genome position (GRCh38, 1-based): chr2:178,607,057, C>G on the plus strand (G>C on the coding strand, the complement: TTN is on the minus strand). VCF-style: chr2-178607057-C-G. GRCh37 (hg19) VCF-style: chr2-179471784-C-G.
Other names: c.48622G>C, p.Val16208Leu (NM_001256850.1); c.26350G>C, p.Val8784Leu (NM_003319.4); c.45841G>C, p.Val15281Leu (NM_133378.4); c.26725G>C, p.Val8909Leu (NM_133432.3); c.26926G>C, p.Val8976Leu (NM_133437.4); short protein forms V15281L, V17849L, V16208L, V8909L, V8784L, V8976L.
Identifiers: ClinVar variation 498926 (VCV000498926.8), dbSNP rs746831431, ClinGen allele CA1993793.

ClinVar aggregate classification (germline): Conflicting classifications of pathogenicity. Review status: criteria provided, conflicting classifications (1 of 4 stars). 3 submissions from 3 submitters: Uncertain significance (2); Likely benign (1). Last evaluated 2021-07-12.

Conditions:
Cardiovascular phenotype. Identifiers: MedGen CN230736.

Allele frequency attached by ClinVar (database versions not stated): ExAC 0.00001; gnomAD 0.00001; gnomAD exomes 0.00001; TOPMed 0.00004.
gnomAD v4.1: 78 of 1,611,532 alleles (0.0048%); highest among the groups gnomAD compares: Middle Eastern, 0.016%; no homozygotes.

Submissions (3):

Blueprint Genetics
Classification: Likely benign. Last evaluated: 2021-07-12. Review status: criteria provided, single submitter. Criteria: ACMG Guidelines, 2015. Collection method: clinical testing. Allele origin: germline.

Ambry Genetics
Classification: Uncertain significance for Cardiovascular phenotype. Last evaluated: 2019-09-26. Review status: criteria provided, single submitter. Criteria: Ambry Variant Classification Scheme 2023. Collection method: clinical testing. Allele origin: germline.
Comment: The p.V8784L variant (also known as c.26350G>C), located in coding exon 105 of the TTN gene, results from a G to C substitution at nucleotide position 26350. The valine at codon 8784 is replaced by leucine, an amino acid with highly similar properties. This amino acid position is well conserved in available vertebrate species. In addition, this alteration is predicted to be tolerated by in silico analysis. Since supporting evidence is limited at this time, the clinical significance of this alteration remains unclear.

Eurofins Ntd Llc (ga)
Classification: Uncertain significance. Last evaluated: 2016-12-05. Review status: criteria provided, single submitter. Criteria: EGL Classification Definitions 2015. Collection method: clinical testing. Allele origin: germline. Observed: 1 variant allele, 1 heterozygote.